The following is an entry in ClinVar:

NC_012920.1(MT-ND5):m.13879T>A

Gene: MT-ND5 (mitochondrially encoded NADH dehydrogenase 5; plus strand).
Variant type: single nucleotide variant.
Genome position: chrM-13879-T-A.
Identifiers: ClinVar variation 693624 (VCV000693624.1), dbSNP rs879087566, ClinGen allele CA414819920.
Genomic context (GRCh38, chrMT:13,879, plus strand): 5'-TTCCTAGGACTTCTAACAGCCCTAGACCTCAACTACCTAACCAACAAACTTAAAATAAAA[T>A]CCCCACTATGCACATTTTATTTCTCCAACATACTCGGATTCTACCCTAGCATCACACACC-3'

ClinVar aggregate classification (germline): Likely benign (1 of 4 stars; one submission).

Conditions:
Leigh syndrome (NULS). Also called: Leigh's necrotizing encephalopathy; Leigh's disease; Leigh's syndrome; LEIGH SYNDROME, NUCLEAR; Leigh Syndrome (mtDNA deletion); Leigh Disease. Identifiers: Orphanet 506, MedGen C2931891, MONDO:0009723, OMIM 256000.

Submission:

Wong Mito Lab, Molecular and Human Genetics, Baylor College of Medicine
Classification: Likely benign for Leigh syndrome. Last evaluated: 2019-10-17. Review status: criteria provided, single submitter. Criteria: Modified ACMG Guidelines (Unpublished). Collection method: clinical testing. Allele origin: germline.
Comment: The NC_012920.1:m.13879T>A (YP_003024036.1:p.Ser515Thr) variant in MTND5 gene is interpretated to be a Likely Benign variant based on the modified ACMG guidelines (unpublished). This variant meets the following evidence codes: BS1, BP4